The following is an entry in ClinVar:

NM_000238.4(KCNH2):c.454A>G (p.Thr152Ala)

Gene: KCNH2 (potassium voltage-gated channel subfamily H member 2; minus strand). Cytogenetic location: 7q36.1.
Variant type: single nucleotide variant.
Coding change: c.454A>G on transcript NM_000238.4 (MANE Select); coding-DNA position 454, A replaced by G.
Protein change: p.Thr152Ala; replaces threonine 152 with alanine.
Molecular consequence: missense variant. On other transcripts: non-coding transcript variant (1).
Genome position (GRCh38, 1-based): chr7:150,959,590, T>C on the plus strand (A>G on the coding strand, the complement: KCNH2 is on the minus strand). VCF-style: chr7-150959590-T-C. GRCh37 (hg19) VCF-style: chr7-150656678-T-C.
Other names: c.166A>G, p.Thr56Ala (NM_001406753.1, NM_001406756.1); c.277A>G, p.Thr93Ala (NM_001406755.1); c.154A>G, p.Thr52Ala (NM_001406757.1); c.454A>G, p.Thr152Ala (NM_172056.3); short protein forms T93A, T52A, T56A, T152A.
Identifiers: ClinVar variation 4708119 (VCV004708119.1).

ClinVar aggregate classification (germline): Uncertain significance (1 of 4 stars; one submission).

Conditions:
Long QT syndrome (LQTS). Identifiers: MedGen C0023976, MeSH D008133, MONDO:0002442. Disease mechanism: loss of function. Inheritance: Various modes of inheritance.

Submission:

Labcorp Genetics (formerly Invitae), Labcorp
Classification: Uncertain significance for Long QT syndrome. Last evaluated: 2025-02-04. Review status: criteria provided, single submitter. Criteria: Invitae Variant Classification Sherloc (09022015). Collection method: clinical testing. Allele origin: germline.
Comment: This sequence change replaces threonine, which is neutral and polar, with alanine, which is neutral and non-polar, at codon 152 of the KCNH2 protein (p.Thr152Ala). This variant is not present in population databases (gnomAD no frequency). This variant has not been reported in the literature in individuals affected with KCNH2-related conditions. An algorithm developed to predict the effect of missense changes on protein structure and function (PolyPhen-2) suggests that this variant is likely to be tolerated. In summary, the available evidence is currently insufficient to determine the role of this variant in disease. Therefore, it has been classified as a Variant of Uncertain Significance.